The following is an entry in ClinVar:

ClinVar aggregate classification (germline): Pathogenic (1 of 4 stars; one submission).

Conditions:
Familial thoracic aortic aneurysm and aortic dissection (TAAD). Also called: Thoracic aortic aneurysms and dissections. Identifiers: Orphanet 91387, MedGen C4707243, MONDO:0019625.

Submission:

Labcorp Genetics (formerly Invitae), Labcorp
Classification: Pathogenic for Familial thoracic aortic aneurysm and aortic dissection. Last evaluated: 2023-06-17. Review status: criteria provided, single submitter. Criteria: Invitae Variant Classification Sherloc (09022015). Collection method: clinical testing. Allele origin: germline.
Comment: For these reasons, this variant has been classified as Pathogenic. Studies have shown that disruption of this splice site is associated with altered splicing resulting in multiple RNA products (PMID: 29706644). Experimental studies have shown that disruption of this splice site affects TGFBR1 function (PMID: 29706644). Algorithms developed to predict the effect of variants on protein structure and function are not available or were not evaluated for this variant. Disruption of this splice site has been observed in individual(s) with Loeys–Dietz syndrome (PMID: 29706644). It has also been observed to segregate with disease in related individuals. This variant is not present in population databases (gnomAD no frequency). This sequence change affects a donor splice site in intron 5 of the TGFBR1 gene. It is expected to disrupt RNA splicing. Variants that disrupt the donor or acceptor splice site typically lead to a loss of protein function (PMID: 16199547), however the current clinical and genetic evidence is not sufficient to establish whether loss-of-function variants in TGFBR1 cause disease.

Literature cited by the submitters: PubMed 29706644; PubMed 16199547.

NM_004612.4(TGFBR1):c.973+1G>T

Gene: TGFBR1 (transforming growth factor beta receptor 1; plus strand). Cytogenetic location: 9q22.33.
Variant type: single nucleotide variant.
Coding change: c.973+1G>T on transcript NM_004612.4 (MANE Select); the canonical splice donor site of the intron after coding-DNA position 973, G replaced by T.
Molecular consequence: splice donor variant. On other transcripts: intron variant (2).
Genome position (GRCh38, 1-based): chr9:99,142,704, G>T. VCF-style: chr9-99142704-G-T. GRCh37 (hg19) VCF-style: chr9-101904986-G-T.
Other names: c.778+1G>T (NM_001407418.1, NM_001407420.1, NM_001407419.1 and 1 more transcripts); c.766+1G>T (NM_001407423.1, NM_001407429.1, NM_001407424.1 and 8 more transcripts); c.985+1G>T (NM_001306210.2); c.818-2028G>T (NM_001407416.1); c.806-2028G>T (NM_001407417.1); c.742+1G>T (NM_001407435.1, NM_001130916.3); c.727+1G>T (NM_001407436.1); c.496+1G>T (NM_001407438.1); and 1 more.
Identifiers: ClinVar variation 2718378 (VCV002718378.3), dbSNP rs863223818, ClinGen allele CA374230861.
Genomic context (GRCh38, chr9:99,142,704, plus strand): 5'-TTGCTCTGTCCACGGCGAGCGGTCTTGCCCATCTTCACATGGAGATTGTTGGTACCCAAG[G>T]TAATTCTATAAGCAGTTCTATTATTTAAGCTTTAAATTTTCATGAATAATGTCTATGAAA-3'